The following is an entry in ClinVar:

ClinVar aggregate classification (germline): Pathogenic (1 of 4 stars; one submission).

Conditions:
Congenital hyperammonemia, type I. Also called: Carbamoyl phosphate synthetase 1 deficiency; Hyperammonemia due to carbamoyl phosphate synthetase 1 deficiency; CPS 1 deficiency; Carbamyl phosphate synthetase (CPS) deficiency; CPS I DEFICIENCY; Carbamoyl phosphate synthetase I deficiency disease. Identifiers: Orphanet 147, MedGen C4082171, MONDO:0009376, OMIM 237300.

Submission:

Labcorp Genetics (formerly Invitae), Labcorp
Classification: Pathogenic for Congenital hyperammonemia, type I. Last evaluated: 2023-08-04. Review status: criteria provided, single submitter. Criteria: Invitae Variant Classification Sherloc (09022015). Collection method: clinical testing. Allele origin: unknown.
Comment: For these reasons, this variant has been classified as Pathogenic. A similar copy number variant has been observed in individual(s) with carbamoyl phosphate synthetase I deficiency (PMID: 20855223, 21120950, 32154057). This variant is a gross deletion of the genomic region encompassing exon(s) 24 of the CPS1 gene. This deletion is out-of-frame, and is expected to create a premature termination codon and result in an absent or disrupted protein product. Loss-of-function variants in CPS1 are known to be pathogenic (PMID: 21120950).

Literature cited by the submitters: PubMed 20855223; PubMed 21120950; PubMed 32154057.

NC_000002.11:g.(?_211504700)_(211504803_?)del

Gene: CPS1 (carbamoyl-phosphate synthase 1; plus strand). Cytogenetic location: 2q34.
Variant type: Deletion.
Identifiers: ClinVar variation 3247428 (VCV003247428.1).